The following is an entry in ClinVar:

NM_001184.4(ATR):c.4259C>G (p.Ala1420Gly)

Gene: ATR (ATR checkpoint kinase; minus strand). Cytogenetic location: 3q23.
Variant type: single nucleotide variant.
Coding change: c.4259C>G on transcript NM_001184.4 (MANE Select); coding-DNA position 4259, C replaced by G.
Protein change: p.Ala1420Gly; replaces alanine 1420 with glycine.
Molecular consequence: missense variant.
Genome position (GRCh38, 1-based): chr3:142,522,735, G>C on the plus strand (C>G on the coding strand, the complement: ATR is on the minus strand). VCF-style: chr3-142522735-G-C. GRCh37 (hg19) VCF-style: chr3-142241577-G-C.
Other names: c.4067C>G, p.Ala1356Gly (NM_001354579.2); short protein forms A1420G, A1356G.
Identifiers: ClinVar variation 2842781 (VCV002842781.3), dbSNP rs2108395458, ClinGen allele CA354800983.

ClinVar aggregate classification (germline): Uncertain significance (1 of 4 stars; one submission).

Submission:

Labcorp Genetics (formerly Invitae), Labcorp
Classification: Uncertain significance. Last evaluated: 2023-03-04. Review status: criteria provided, single submitter. Criteria: Invitae Variant Classification Sherloc (09022015). Collection method: clinical testing. Allele origin: germline.
Comment: This sequence change replaces alanine, which is neutral and non-polar, with glycine, which is neutral and non-polar, at codon 1420 of the ATR protein (p.Ala1420Gly). This variant is not present in population databases (gnomAD no frequency). This variant has not been reported in the literature in individuals affected with ATR-related conditions. An algorithm developed to predict the effect of missense changes on protein structure and function (PolyPhen-2) suggests that this variant is likely to be disruptive. In summary, the available evidence is currently insufficient to determine the role of this variant in disease. Therefore, it has been classified as a Variant of Uncertain Significance.